The following is an entry in ClinVar:

NM_000233.4(LHCGR):c.32_58dup (p.Pro19_Pro20insLeuLysLeuLeuLeuLeuLeuGlnPro)

Genes: LHCGR (luteinizing hormone/choriogonadotropin receptor; minus strand), STON1-GTF2A1L (STON1-GTF2A1L readthrough; plus strand). Cytogenetic location: 2p16.3.
Variant type: Duplication.
Coding change: c.32_58dup on transcript NM_000233.4 (MANE Select); coding-DNA positions 32 to 58, 27 bases duplicated (TGAAGCTGCTGCTGCTGCTGCAGCCGC).
Protein change: p.Pro19_Pro20insLeuLysLeuLeuLeuLeuLeuGlnPro.
Molecular consequence: inframe insertion. On other transcripts: intron variant (1).
Genome position (GRCh38, 1-based): chr2:48,755,614-48,755,640, GCGGCTGCAGCAGCAGCAGCAGCTTCA duplicated on the plus strand (TGAAGCTGCTGCTGCTGCTGCAGCCGC on the coding strand, the reverse complement: LHCGR is on the minus strand); duplicating any 27 consecutive bases within chr2:48,755,614-48,755,642 gives the same sequence; the c. name uses the placement nearest the transcript's 3' end. VCF-style (leftmost placement, unchanged base first): chr2-48755613-G-GGCGGCTGCAGCAGCAGCAGCAGCTTCA. GRCh37 (hg19) VCF-style: chr2-48982752-G-GGCGGCTGCAGCAGCAGCAGCAGCTTCA.
Other names: c.3442-20664_3442-20638dup (NM_001198593.2).
Identifiers: ClinVar variation 2982935 (VCV002982935.3), dbSNP rs1558913707, ClinGen allele CA532559291.

ClinVar aggregate classification (germline): Uncertain significance (1 of 4 stars; one submission).

Submission:

Labcorp Genetics (formerly Invitae), Labcorp
Classification: Uncertain significance. Last evaluated: 2024-02-26. Review status: criteria provided, single submitter. Criteria: Invitae Variant Classification Sherloc (09022015). Collection method: clinical testing. Allele origin: germline.
Comment: This variant, c.32_58dup, results in the insertion of 9 amino acid(s) of the LHCGR protein (p.Leu11_Pro19dup), but otherwise preserves the integrity of the reading frame. This variant is present in population databases (no rsID available, gnomAD 0.004%). This variant has not been reported in the literature in individuals affected with LHCGR-related conditions. In summary, the available evidence is currently insufficient to determine the role of this variant in disease. Therefore, it has been classified as a Variant of Uncertain Significance.